The following is an entry in ClinVar:

ClinVar aggregate classification (germline): Uncertain significance. Review status: criteria provided, single submitter (1 of 4 stars). 2 submissions from 2 submitters: Uncertain significance (1). 1 of the submissions does not count toward it. Last evaluated 2024-12-24.

Conditions:
MAGEL2-related disorder. Also called: MAGEL2-related condition.
Inborn genetic diseases. Identifiers: MedGen C0950123, MeSH D030342.

gnomAD v4.1: 2 of 1,612,754 alleles (0.00012%); highest among the groups gnomAD compares: Admixed American, 0.0017%; no homozygotes.

Submissions (2):

Ambry Genetics
Classification: Uncertain significance for Inborn genetic diseases. Last evaluated: 2024-12-24. Review status: criteria provided, single submitter. Criteria: Ambry Variant Classification Scheme 2023. Collection method: clinical testing. Allele origin: germline.

PreventionGenetics, part of Exact Sciences
Classification: Uncertain significance for MAGEL2-related condition. Last evaluated: 2024-09-05. Review status: no assertion criteria provided. Collection method: clinical testing. Allele origin: germline. Not counted in ClinVar's aggregate classification.
Comment: The MAGEL2 c.2867G>A variant is predicted to result in the amino acid substitution p.Ser956Asn. To our knowledge, this variant has not been reported in the literature or in a large population database, indicating this variant is rare. At this time, the clinical significance of this variant is uncertain due to the absence of conclusive functional and genetic evidence.

NM_019066.5(MAGEL2):c.2867G>A (p.Ser956Asn)

Gene: MAGEL2 (MAGE family member L2; minus strand). Cytogenetic location: 15q11.2.
Variant type: single nucleotide variant.
Coding change: c.2867G>A on transcript NM_019066.5 (MANE Select); coding-DNA position 2867, G replaced by A.
Protein change: p.Ser956Asn; replaces serine 956 with asparagine.
Molecular consequence: missense variant.
Genome position (GRCh38, 1-based): chr15:23,644,876, C>T on the plus strand (G>A on the coding strand, the complement: MAGEL2 is on the minus strand). VCF-style: chr15-23644876-C-T. GRCh37 (hg19) VCF-style: chr15-23890023-C-T.
Other names: short protein forms S956N.
Identifiers: ClinVar variation 3345282 (VCV003345282.2).
Genomic context (GRCh38, chr15:23,644,876, plus strand): 5'-GAGGTGCTCGGGCCCTCCCAGGCACTCAGGGCCCAGGATGCGCTGGGCCCTTCCCAGCCA[C>T]TCAGGATCCTGGAGGTGCTAGGGCCCTCCCAACCACTCAGGCCACGGGGGGTGTTTGGGT-3'
Protein context (NP_061939.3, residues 946-966): WEGPSTSRIL[Ser956Asn]GWEGPSASWA